The following is an entry in ClinVar:

NM_001277115.2(DNAH11):c.2166A>G (p.Pro722=)

Gene: DNAH11 (dynein axonemal heavy chain 11; plus strand). Cytogenetic location: 7p15.3.
Variant type: single nucleotide variant.
Coding change: c.2166A>G on transcript NM_001277115.2 (MANE Select); coding-DNA position 2166, A replaced by G.
Protein change: p.Pro722=; no amino-acid change (proline 722 retained).
Molecular consequence: synonymous variant.
Genome position (GRCh38, 1-based): chr7:21,589,400, A>G. VCF-style: chr7-21589400-A-G. GRCh37 (hg19) VCF-style: chr7-21629018-A-G.
Identifiers: ClinVar variation 163099 (VCV000163099.43), dbSNP rs191266255, ClinGen allele CA175710.
Genomic context (GRCh38, chr7:21,589,400, plus strand): 5'-GAATCAACCCTTGGTTAAATTCAGTGCCATAAATGGTCTTCTCTGTGTCAATTTTGACCC[A>G]AAGGTAGGGATTTGATTTTTTAAGATGATTTATAAGTGCCCTTTTTATTATAAGCCTATT-3'
Protein context (NP_001264044.1, residues 712-732): INGLLCVNFD[Pro722=]KLVAVLREVK

ClinVar aggregate classification (germline): Conflicting classifications of pathogenicity. Review status: criteria provided, conflicting classifications (1 of 4 stars). 7 submissions from 7 submitters: Uncertain significance (2); Likely benign (5). Last evaluated 2026-07-01.

Conditions:
Primary ciliary dyskinesia. Also called: Ciliary dyskinesia. Identifiers: Orphanet 244, MedGen C0008780, MONDO:0016575, HP:0012265.

Allele frequency attached by ClinVar (database versions not stated): 1000 Genomes Project 0.00060; ExAC 0.00066; gnomAD exomes 0.00066 and 0.00109; gnomAD 0.00067 and 0.00069; TOPMed 0.00074; 1000 Genomes Project 30x 0.00078; ESP Exome Variant Server 0.00128.
gnomAD v4.1: 1,658 of 1,595,834 alleles (0.1%); highest among the groups gnomAD compares: Non-Finnish European, 0.13%; 2 homozygotes.

Submissions (7):

CeGaT Center for Human Genetics Tuebingen
Classification: Likely benign. Last evaluated: 2026-07-01. Review status: criteria provided, single submitter. Criteria: CeGaT Center For Human Genetics Tuebingen Variant Classification Criteria Version 2. Collection method: clinical testing. Allele origin: germline. Affected: yes. Observed: 3 variant alleles.
Comment: DNAH11: BP4

Labcorp Genetics (formerly Invitae), Labcorp
Classification: Likely benign for Primary ciliary dyskinesia. Last evaluated: 2026-02-01. Review status: criteria provided, single submitter. Criteria: Invitae Variant Classification Sherloc (09022015). Collection method: clinical testing. Allele origin: germline.

GeneDx
Classification: Uncertain significance. Last evaluated: 2025-06-11. Review status: criteria provided, single submitter. Criteria: GeneDx Variant Classification Process June 2021. Collection method: clinical testing. Allele origin: germline. Affected: yes.
Comment: In silico analysis suggests that this variant does not alter splicing; Has not been previously published as pathogenic or benign to our knowledge

Blueprint Genetics
Classification: Likely benign. Last evaluated: 2024-10-16. Review status: criteria provided, single submitter. Criteria: ACMG Guidelines, 2015. Collection method: clinical testing. Allele origin: germline.

Ambry Genetics
Classification: Likely benign for Primary ciliary dyskinesia. Last evaluated: 2022-03-30. Review status: criteria provided, single submitter. Criteria: Ambry Variant Classification Scheme 2023. Collection method: clinical testing. Allele origin: germline.

Eurofins Ntd Llc (ga)
Classification: Uncertain significance. Last evaluated: 2018-06-15. Review status: criteria provided, single submitter. Criteria: EGL ClinVar v180209 classification definitions. Collection method: clinical testing. Allele origin: germline. Observed: 2 variant alleles, 2 heterozygotes.

Laboratory for Molecular Medicine, Mass General Brigham Personalized Medicine
Classification: Likely benign. Last evaluated: 2013-02-21. Review status: criteria provided, single submitter. Criteria: LMM Criteria. Collection method: clinical testing. Allele origin: germline. Observed: 1 variant allele.
Comment: Pro722Pro in exon 12 of DNAH11: This variant is not expected to have clinical si gnificance because it does not alter an amino acid residue and is not located wi thin the splice consensus sequence. It has been identified in 0.2% (14/8142) of European American chromosomes from a broad population by the NHLBI Exome Sequenc ing Project (dbSNP rs191266255).